The following is an entry in ClinVar:

ClinVar aggregate classification (germline): Uncertain significance (1 of 4 stars; one submission).

Allele frequency attached by ClinVar (database versions not stated): gnomAD exomes below 0.00001; TOPMed 0.00001.
gnomAD v4.1: 3 of 1,493,014 alleles (0.0002%); highest among the groups gnomAD compares: Middle Eastern, 0.017%; no homozygotes.

Submission:

CeGaT Center for Human Genetics Tuebingen
Classification: Uncertain significance. Last evaluated: 2022-03-01. Review status: criteria provided, single submitter. Criteria: CeGaT Center For Human Genetics Tuebingen Variant Classification Criteria Version 2. Collection method: clinical testing. Allele origin: germline. Affected: yes. Observed: 1 variant allele.
Comment: PAH: PM2

NM_000277.3(PAH):c.509+41C>T

Gene: PAH (phenylalanine hydroxylase; minus strand). Cytogenetic location: 12q23.2.
Variant type: single nucleotide variant.
Coding change: c.509+41C>T on transcript NM_000277.3 (MANE Select); 41 bases into the intron after coding-DNA position 509, C replaced by T.
Molecular consequence: intron variant.
Genome position (GRCh38, 1-based): chr12:102,866,555, G>A on the plus strand (C>T on the coding strand, the complement: PAH is on the minus strand). VCF-style: chr12-102866555-G-A. GRCh37 (hg19) VCF-style: chr12-103260333-G-A.
Other names: c.509+41C>T (NM_001354304.2).
Identifiers: ClinVar variation 2643246 (VCV002643246.24), dbSNP rs1210938582, ClinGen allele CA607156427.